The following is an entry in ClinVar:

NM_174936.4(PCSK9):c.1974C>A (p.Ser658Arg)

Gene: PCSK9 (proprotein convertase subtilisin/kexin type 9; plus strand). Cytogenetic location: 1p32.3.
Variant type: single nucleotide variant.
Coding change: c.1974C>A on transcript NM_174936.4 (MANE Select); coding-DNA position 1974, C replaced by A.
Protein change: p.Ser658Arg; replaces serine 658 with arginine.
Molecular consequence: missense variant.
Genome position (GRCh38, 1-based): chr1:55,063,479, C>A. VCF-style: chr1-55063479-C-A. GRCh37 (hg19) VCF-style: chr1-55529152-C-A.
Other names: c.2097C>A, p.Ser699Arg (NM_001407240.1); c.2016C>A, p.Ser672Arg (NM_001407241.1); c.1977C>A, p.Ser659Arg (NM_001407242.1); c.1917C>A, p.Ser639Arg (NM_001407243.1); c.1800C>A, p.Ser600Arg (NM_001407244.1); c.1782C>A, p.Ser594Arg (NM_001407245.1); c.1599C>A, p.Ser533Arg (NM_001407246.1); c.1473C>A, p.Ser491Arg (NM_001407247.1); short protein forms S533R, S659R, S672R, S639R, S658R, S699R, S491R, S594R.
Identifiers: ClinVar variation 1783671 (VCV001783671.2), dbSNP rs2523286797, ClinGen allele CA340480761.

ClinVar aggregate classification (germline): Uncertain significance (1 of 4 stars; one submission).

Conditions:
Cardiovascular phenotype. Identifiers: MedGen CN230736.

Submission:

Ambry Genetics
Classification: Uncertain significance for Cardiovascular phenotype. Last evaluated: 2022-03-03. Review status: criteria provided, single submitter. Criteria: Ambry Variant Classification Scheme 2023. Collection method: clinical testing. Allele origin: germline.
Comment: The p.S658R variant (also known as c.1974C>A), located in coding exon 12 of the PCSK9 gene, results from a C to A substitution at nucleotide position 1974. The serine at codon 658 is replaced by arginine, an amino acid with dissimilar properties. This amino acid position is conserved. In addition, this alteration is predicted to be tolerated by in silico analysis. Since supporting evidence is limited at this time, the clinical significance of this alteration remains unclear.